The following is an entry in ClinVar:

NM_020778.5(ALPK3):c.3281A>G (p.Glu1094Gly)

Gene: ALPK3 (alpha kinase 3; plus strand). Cytogenetic location: 15q25.3.
Variant type: single nucleotide variant.
Coding change: c.3281A>G on transcript NM_020778.5 (MANE Select); coding-DNA position 3281, A replaced by G.
Protein change: p.Glu1094Gly; replaces glutamic acid 1094 with glycine.
Molecular consequence: missense variant.
Genome position (GRCh38, 1-based): chr15:84,858,019, A>G. VCF-style: chr15-84858019-A-G. GRCh37 (hg19) VCF-style: chr15-85401250-A-G.
Other names: c.3887A>G (NM_020778.4); short protein forms E1094G.
Identifiers: ClinVar variation 1446298 (VCV001446298.10), dbSNP rs1391823226, ClinGen allele CA393359960.

ClinVar aggregate classification (germline): Uncertain significance. Review status: criteria provided, multiple submitters, no conflicts (2 of 4 stars). 2 submissions from 2 submitters: Uncertain significance (2). Last evaluated 2026-09-06.

Conditions:
Cardiovascular phenotype. Identifiers: MedGen CN230736.

Allele frequency attached by ClinVar (database versions not stated): gnomAD exomes below 0.00001; TOPMed below 0.00001; gnomAD 0.00001.
gnomAD v4.1: 5 of 1,585,308 alleles (0.00032%); highest among the groups gnomAD compares: Non-Finnish European, 0.00043%; no homozygotes.

Submissions (2):

Ambry Genetics
Classification: Uncertain significance for Cardiovascular phenotype. Last evaluated: 2026-09-06. Review status: criteria provided, single submitter. Criteria: Ambry Variant Classification Scheme 2023. Collection method: clinical testing. Allele origin: germline.
Comment: The p.E1296G variant (also known as c.3887A>G), located in coding exon 6 of the ALPK3 gene, results from an A to G substitution at nucleotide position 3887. The glutamic acid at codon 1296 is replaced by glycine, an amino acid with similar properties. This amino acid position is conserved. In addition, this alteration is predicted to be tolerated by in silico analysis. Based on the available evidence, the clinical significance of this variant remains unclear.

Labcorp Genetics (formerly Invitae), Labcorp
Classification: Uncertain significance. Last evaluated: 2025-09-10. Review status: criteria provided, single submitter. Criteria: Invitae Variant Classification Sherloc (09022015). Collection method: clinical testing. Allele origin: germline.
Comment: This sequence change replaces glutamic acid, which is acidic and polar, with glycine, which is neutral and non-polar, at codon 1296 of the ALPK3 protein (p.Glu1296Gly). This variant is not present in population databases (gnomAD no frequency). This variant has not been reported in the literature in individuals affected with ALPK3-related conditions. ClinVar contains an entry for this variant (Variation ID: 1446298). Invitae Evidence Modeling of protein sequence and biophysical properties (such as structural, functional, and spatial information, amino acid conservation, physicochemical variation, residue mobility, and thermodynamic stability) indicates that this missense variant is expected to disrupt ALPK3 protein function with a positive predictive value of 80%. In summary, the available evidence is currently insufficient to determine the role of this variant in disease. Therefore, it has been classified as a Variant of Uncertain Significance.